The following is an entry in ClinVar:

ClinVar aggregate classification (germline): Pathogenic/Likely pathogenic. Review status: criteria provided, multiple submitters, no conflicts (2 of 4 stars). 2 submissions from 2 submitters: Pathogenic (1); Likely pathogenic (1). Last evaluated 2025-02-06.

Conditions:
Congenital dyserythropoietic anemia, type II (CDAN2). Also called: DYSERYTHROPOIETIC ANEMIA, HEMPAS TYPE. Identifiers: Orphanet 98873, MedGen C1306589, MONDO:0009134, OMIM 224100.
Cowden syndrome 7 (CWS7). Identifiers: Orphanet 201, MedGen C4225179, MONDO:0014802, OMIM 616858.

Submissions (2):

ARUP Laboratories, Molecular Genetics and Genomics, ARUP Laboratories
Classification: Likely pathogenic. Last evaluated: 2025-02-06. Review status: criteria provided, single submitter. Criteria: ARUP Molecular Germline Variant Investigation Process 2024. Collection method: clinical testing. Allele origin: germline.
Comment: The SEC23B c.1243del; p.Glu415AsnfsTer2 variant, to our knowledge, is not reported in the medical literature but is reported in ClinVar (Variation ID: 2935391). This variant is also absent from the Genome Aggregation Database (v2.1.1), indicating it is not a common polymorphism. This variant causes a frameshift by deleting a single nucleotide, so it is predicted to result in a truncated protein or mRNA subject to nonsense-mediated decay. Based on available information, this variant is considered to be likely pathogenic.

Labcorp Genetics (formerly Invitae), Labcorp
Classification: Pathogenic for Congenital dyserythropoietic anemia, type II; Cowden syndrome 7. Last evaluated: 2023-07-09. Review status: criteria provided, single submitter. Criteria: Invitae Variant Classification Sherloc (09022015). Collection method: clinical testing. Allele origin: germline.
Comment: This sequence change creates a premature translational stop signal (p.Glu415Asnfs*2) in the SEC23B gene. It is expected to result in an absent or disrupted protein product. Loss-of-function variants in SEC23B are known to be pathogenic (PMID: 19561605, 25044164). For these reasons, this variant has been classified as Pathogenic. This variant has not been reported in the literature in individuals affected with SEC23B-related conditions. This variant is not present in population databases (gnomAD no frequency).

Literature cited by the submitters: PubMed 19561605 (cited by Labcorp Genetics (formerly Invitae), Labcorp); PubMed 25044164 (cited by Labcorp Genetics (formerly Invitae), Labcorp).

NM_006363.6(SEC23B):c.1243del (p.Glu415fs)

Gene: SEC23B (SEC23 homolog B, COPII component; plus strand). Cytogenetic location: 20p11.23.
Variant type: Deletion.
Coding change: c.1243del on transcript NM_006363.6 (MANE Select); coding-DNA position 1243, one base deleted (G; older notation c.1243delG).
Protein change: p.Glu415fs; shifts the reading frame from glutamic acid 415.
Molecular consequence: frameshift variant.
Genome position (GRCh38, 1-based): chr20:18,532,673, G deleted; the last of 3 consecutive G bases (chr20:18,532,671-18,532,673); deleting any one gives the same sequence. VCF-style (leftmost placement, unchanged base first): chr20-18532670-CG-C. GRCh37 (hg19) VCF-style: chr20-18513314-CG-C.
Other names: c.1243del, p.Glu415fs (NM_001172745.3, NM_032985.6, NM_032986.5); c.1189del, p.Glu397fs (NM_001172746.3); short protein forms E415fs, E397fs.
Identifiers: ClinVar variation 2935391 (VCV002935391.4), dbSNP rs2517485589, ClinGen allele CA2577347566.
Genomic context (GRCh38, chr20:18,532,670, plus strand): 5'-AGCAGGGTGGATTGAAGTGATCTTTAACTTTACACTGTCACATATTTGTTATAGACCTCT[CG>C]GGAACTGAAGATTGCAGGAGCCATTGGTCCATGCGTATCTCTGAATGTGAAAGGACCGTG-3'